The following is an entry in ClinVar:

ClinVar aggregate classification (germline): Uncertain significance. Review status: criteria provided, multiple submitters, no conflicts (2 of 4 stars). 2 submissions from 2 submitters: Uncertain significance (2). Last evaluated 2026-06-16.

Conditions:
Inborn genetic diseases. Identifiers: MedGen C0950123, MeSH D030342.
Deafness-lymphedema-leukemia syndrome. Also called: Emberger syndrome; Lymphedema, primary, with myelodysplasia. Identifiers: Orphanet 3226, MedGen C3279664, MONDO:0013540, OMIM 614038.
Monocytopenia with susceptibility to infections. Also called: MONOCYTOPENIA AND MYCOBACTERIAL INFECTION SYNDROME; MONOCYTOPENIA WITH SUSCEPTIBILITY TO MYCOBACTERIAL, FUNGAL, AND PAPILLOMAVIRUS INFECTIONS AND MYELODYSPLASIA; COMBINED IMMUNODEFICIENCY WITH SUSCEPTIBILITY TO MYCOBACTERIAL, VIRAL, AND FUNGAL INFECTIONS; Dendritic cell, monocyte, B lymphocyte, and natural killer lymphocyte deficiency; GATA2 DEFICIENCY; IMMUNODEFICIENCY 21. Identifiers: Orphanet 228423, MedGen C3280030, MONDO:0013607, OMIM 614172.

Allele frequency attached by ClinVar (database versions not stated): gnomAD exomes below 0.00001 and 0.00001; TOPMed below 0.00001.
gnomAD v4.1: 10 of 1,613,784 alleles (0.00062%); highest among the groups gnomAD compares: Non-Finnish European, 0.00085%; no homozygotes.

Submissions (2):

Ambry Genetics
Classification: Uncertain significance for Inborn genetic diseases. Last evaluated: 2026-06-16. Review status: criteria provided, single submitter. Criteria: Ambry Variant Classification Scheme 2023. Collection method: clinical testing. Allele origin: germline.
Comment: The p.D259G variant (also known as c.776A>G), located in coding exon 2 of the GATA2 gene, results from an A to G substitution at nucleotide position 776. The aspartic acid at codon 259 is replaced by glycine, an amino acid with similar properties. This amino acid position is not well conserved in available vertebrate species. In addition, the in silico prediction for this alteration is inconclusive. Based on the available evidence, the clinical significance of this variant remains unclear.

Labcorp Genetics (formerly Invitae), Labcorp
Classification: Uncertain significance for Monocytopenia with susceptibility to infections; Deafness-lymphedema-leukemia syndrome. Last evaluated: 2023-06-25. Review status: criteria provided, single submitter. Criteria: Invitae Variant Classification Sherloc (09022015). Collection method: clinical testing. Allele origin: germline.
Comment: This variant is present in population databases (no rsID available, gnomAD 0.0009%). This sequence change replaces aspartic acid, which is acidic and polar, with glycine, which is neutral and non-polar, at codon 259 of the GATA2 protein (p.Asp259Gly). This variant has not been reported in the literature in individuals affected with GATA2-related conditions. ClinVar contains an entry for this variant (Variation ID: 848228). Advanced modeling of protein sequence and biophysical properties (such as structural, functional, and spatial information, amino acid conservation, physicochemical variation, residue mobility, and thermodynamic stability) has been performed at Invitae for this missense variant, however the output from this modeling did not meet the statistical confidence thresholds required to predict the impact of this variant on GATA2 protein function. In summary, the available evidence is currently insufficient to determine the role of this variant in disease. Therefore, it has been classified as a Variant of Uncertain Significance.

NM_032638.5(GATA2):c.776A>G (p.Asp259Gly)

Gene: GATA2 (GATA binding protein 2; minus strand). Cytogenetic location: 3q21.3.
Variant type: single nucleotide variant.
Coding change: c.776A>G on transcript NM_032638.5 (MANE Select); coding-DNA position 776, A replaced by G.
Protein change: p.Asp259Gly; replaces aspartic acid 259 with glycine.
Molecular consequence: missense variant.
Genome position (GRCh38, 1-based): chr3:128,485,822, T>C on the plus strand (A>G on the coding strand, the complement: GATA2 is on the minus strand). VCF-style: chr3-128485822-T-C. GRCh37 (hg19) VCF-style: chr3-128204665-T-C.
Other names: c.776A>G, p.Asp259Gly (NM_001145661.2, NM_001145662.1); short protein forms D259G.
Identifiers: ClinVar variation 848228 (VCV000848228.10), dbSNP rs1239047306, ClinGen allele CA354405959.
Genomic context (GRCh38, chr3:128,485,822, plus strand): 5'-GTGAAGCTGGAGGCCGGTCCCCCCAGGAAGCCTCCGGGGTGGAAGAGTCCGCTGCTGTAG[T>C]CGTGGGCAGCCGCCGGCACATAGGAGGGGTAGGTGGGGATGGGGTGGTGTGTAGCAGGCT-3'
Protein context (NP_116027.2, residues 249-269): YPSYVPAAAH[Asp259Gly]YSSGLFHPGG